The following is an entry in ClinVar:

ClinVar aggregate classification (germline): Conflicting classifications of pathogenicity. Review status: criteria provided, conflicting classifications (1 of 4 stars). 3 submissions from 3 submitters: Uncertain significance (2); Likely benign (1). Last evaluated 2026-02-03.

Conditions:
POLD1-related polyposis and colorectal cancer syndrome (CRCS10). Also called: Colorectal cancer, susceptibility to, 10; Colorectal cancer 10; COLORECTAL CANCER, SUSCEPTIBILITY TO, ON CHROMOSOME 19q. Identifiers: Orphanet 220460, MedGen C2675481, MONDO:0012953, OMIM 612591.
Hereditary cancer-predisposing syndrome. Also called: Hereditary neoplastic syndrome; Tumor predisposition; Neoplastic Syndromes, Hereditary; Hereditary Cancer Syndrome. Identifiers: Orphanet 140162, MedGen C0027672, MeSH D009386, MONDO:0015356.

Allele frequency attached by ClinVar (database versions not stated): gnomAD exomes below 0.00001.
gnomAD v4.1: 4 of 1,613,420 alleles (0.00025%); highest among the groups gnomAD compares: Non-Finnish European, 0.00025%; no homozygotes.

Submissions (3):

Labcorp Genetics (formerly Invitae), Labcorp
Classification: Uncertain significance for POLD1-related polyposis and colorectal cancer syndrome. Last evaluated: 2026-02-03. Review status: criteria provided, single submitter. Criteria: Invitae Variant Classification Sherloc (09022015). Collection method: clinical testing. Allele origin: germline.
Comment: This sequence change replaces aspartic acid, which is acidic and polar, with asparagine, which is neutral and polar, at codon 877 of the POLD1 protein (p.Asp877Asn). This variant is not present in population databases (gnomAD no frequency). This variant has not been reported in the literature in individuals affected with POLD1-related conditions. ClinVar contains an entry for this variant (Variation ID: 469281). Invitae Evidence Modeling of protein sequence and biophysical properties (such as structural, functional, and spatial information, amino acid conservation, physicochemical variation, residue mobility, and thermodynamic stability) indicates that this missense variant is expected to disrupt POLD1 protein function with a positive predictive value of 80%. In summary, the available evidence is currently insufficient to determine the role of this variant in disease. Therefore, it has been classified as a Variant of Uncertain Significance.

Ambry Genetics
Classification: Likely benign for Hereditary cancer-predisposing syndrome. Last evaluated: 2025-01-10. Review status: criteria provided, single submitter. Criteria: Ambry Variant Classification Scheme 2023. Collection method: clinical testing. Allele origin: germline.

CeGaT Center for Human Genetics Tuebingen
Classification: Uncertain significance. Last evaluated: 2019-01-01. Review status: criteria provided, single submitter. Criteria: CeGaT Center For Human Genetics Tuebingen Variant Classification Criteria Version 2. Collection method: clinical testing. Allele origin: germline. Affected: yes. Observed: 1 variant allele.

NM_002691.4(POLD1):c.2629G>A (p.Asp877Asn)

Gene: POLD1 (DNA polymerase delta 1, catalytic subunit; plus strand). Cytogenetic location: 19q13.33.
Variant type: single nucleotide variant.
Coding change: c.2629G>A on transcript NM_002691.4 (MANE Select); coding-DNA position 2629, G replaced by A.
Protein change: p.Asp877Asn; replaces aspartic acid 877 with asparagine.
Molecular consequence: missense variant. On other transcripts: non-coding transcript variant (1).
Genome position (GRCh38, 1-based): chr19:50,415,502, G>A. VCF-style: chr19-50415502-G-A. GRCh37 (hg19) VCF-style: chr19-50918759-G-A.
Other names: c.2629G>A (NM_002691.2); c.2629G>A, p.Asp877Asn (NM_001256849.1); c.2707G>A, p.Asp903Asn (NM_001308632.1); short protein forms D903N, D877N.
Identifiers: ClinVar variation 469281 (VCV000469281.50), dbSNP rs1555793039, ClinGen allele CA406985485.
Genomic context (GRCh38, chr19:50,415,502, plus strand): 5'-CCTGAGGGCGCGGTGGCTCACGCACAGGACGTCATCTCGGACCTGCTGTGCAACCGCATC[G>A]ATATCTCCCAGCTGGTCATCACCAAGGAGCTGACCCGCGCGGCCTCCGACTATGCCGGCA-3'
Protein context (NP_002682.2, residues 867-887): VISDLLCNRI[Asp877Asn]ISQLVITKEL